The following is an entry in ClinVar:

ClinVar aggregate classification (germline): Pathogenic (1 of 4 stars; one submission).

Conditions:
Bardet-Biedl syndrome (BBS). Identifiers: Orphanet 110, MedGen C0752166, MONDO:0015229.

Submission:

Labcorp Genetics (formerly Invitae), Labcorp
Classification: Pathogenic for Bardet-Biedl syndrome. Last evaluated: 2022-07-23. Review status: criteria provided, single submitter. Criteria: Invitae Variant Classification Sherloc (09022015). Collection method: clinical testing. Allele origin: germline.
Comment: This sequence change creates a premature translational stop signal (p.Tyr129*) in the BBS7 gene. It is expected to result in an absent or disrupted protein product. Loss-of-function variants in BBS7 are known to be pathogenic (PMID: 12567324, 19402160, 21209035, 31196119). This variant is not present in population databases (gnomAD no frequency). For these reasons, this variant has been classified as Pathogenic. Algorithms developed to predict the effect of sequence changes on RNA splicing suggest that this variant may disrupt the consensus splice site. This variant has not been reported in the literature in individuals affected with BBS7-related conditions.

Literature cited by the submitters: PubMed 12567324; PubMed 19402160; PubMed 21209035; PubMed 31196119.

NM_176824.3(BBS7):c.386dup (p.Tyr129Ter)

Gene: BBS7 (Bardet-Biedl syndrome 7; minus strand). Cytogenetic location: 4q27.
Variant type: Duplication.
Coding change: c.386dup on transcript NM_176824.3 (MANE Select); coding-DNA position 386, one base duplicated (A; older notation c.386dupA).
Protein change: p.Tyr129Ter; replaces tyrosine 129 with a stop codon.
Molecular consequence: nonsense.
Genome position (GRCh38, 1-based): chr4:121,859,134, T duplicated on the plus strand (A on the coding strand, the reverse complement: BBS7 is on the minus strand). VCF-style (leftmost placement, unchanged base first): chr4-121859133-A-AT. GRCh37 (hg19) VCF-style: chr4-122780288-A-AT.
Other names: c.386dup, p.Tyr129Ter (NM_018190.4); short protein forms Y129*.
Identifiers: ClinVar variation 2019135 (VCV002019135.4), dbSNP rs2476548951, ClinGen allele CA2580071443.